The following is an entry in ClinVar:

NM_007315.4(STAT1):c.88del (p.Ile30fs)

Gene: STAT1 (signal transducer and activator of transcription 1; minus strand). Cytogenetic location: 2q32.2.
Variant type: Deletion.
Coding change: c.88del on transcript NM_007315.4 (MANE Select); coding-DNA position 88, one base deleted (A; older notation c.88delA).
Protein change: p.Ile30fs; shifts the reading frame from isoleucine 30.
Molecular consequence: frameshift variant.
Genome position (GRCh38, 1-based): chr2:191,009,916, T deleted on the plus strand (A on the coding strand, the reverse complement: STAT1 is on the minus strand); the first of 3 consecutive T bases (chr2:191,009,916-191,009,918); deleting any one gives the same sequence. VCF-style (leftmost placement, unchanged base first): chr2-191009915-AT-A. GRCh37 (hg19) VCF-style: chr2-191874641-AT-A.
Other names: c.88del, p.Ile30fs (NM_001384880.1, NM_001384882.1, NM_001384883.1 and 8 more transcripts); c.94del, p.Ile32fs (NM_001384881.1, NM_001384884.1); c.88delA (NM_007315.3); short protein forms I30fs, I32fs.
Identifiers: ClinVar variation 285493 (VCV000285493.6), dbSNP rs886043118, ClinGen allele CA10605130.

ClinVar aggregate classification (germline): Pathogenic. Review status: criteria provided, multiple submitters, no conflicts (2 of 4 stars). 2 submissions from 2 submitters: Pathogenic (2). Last evaluated 2015-12-16.

Conditions:
Immunodeficiency 31B. Also called: STAT1 DEFICIENCY, AUTOSOMAL RECESSIVE; IMMUNODEFICIENCY 31B, MYCOBACTERIAL AND VIRAL INFECTIONS, AUTOSOMAL RECESSIVE. Identifiers: Orphanet 391311, MedGen C3151088, MONDO:0013427, OMIM 613796.

Submissions (2):

Eurofins Ntd Llc (ga)
Classification: Pathogenic. Last evaluated: 2015-12-16. Review status: criteria provided, single submitter. Criteria: EGL Classification Definitions 2015. Collection method: clinical testing. Allele origin: germline. Observed: 1 variant allele, 1 homozygote.

Victorian Clinical Genetics Services, Murdoch Childrens Research Institute
Classification: Pathogenic for Immunodeficiency 31B. Last evaluated: 2015-07-24. Review status: criteria provided, single submitter. Criteria: ACMG Guidelines, 2015. Collection method: clinical testing. Allele origin: inherited. Inheritance: Autosomal recessive inheritance. Affected: yes. Observed: 1 variant allele.
Comment: This deletion of a single base pair results in the introduction of a premature stop codon at position 30, NP_009330.1, p.(Ile30*). This is a novel variant, not present in disease or population databases. Flow cytometric analysis of STAT-1 phosphorylation after treatment with IFN-alpha and IFN-gamma confirmed absent phosphorylation.

Literature cited by the submitters: PubMed 26938784 (cited by Victorian Clinical Genetics Services, Murdoch Childrens Research Institute); PubMed 27117246 (cited by Victorian Clinical Genetics Services, Murdoch Childrens Research Institute).